The following is an entry in ClinVar:

NM_001371928.1(AHDC1):c.1467C>G (p.Asn489Lys)

Gene: AHDC1 (AT-hook DNA binding motif containing 1; minus strand). Cytogenetic location: 1p36.11.
Variant type: single nucleotide variant.
Coding change: c.1467C>G on transcript NM_001371928.1 (MANE Select); coding-DNA position 1467, C replaced by G.
Protein change: p.Asn489Lys; replaces asparagine 489 with lysine.
Molecular consequence: missense variant.
Genome position (GRCh38, 1-based): chr1:27,550,649, G>C on the plus strand (C>G on the coding strand, the complement: AHDC1 is on the minus strand). VCF-style: chr1-27550649-G-C. GRCh37 (hg19) VCF-style: chr1-27877160-G-C.
Other names: c.1467C>G, p.Asn489Lys (NM_001029882.3); short protein forms N489K.
Identifiers: ClinVar variation 3654631 (VCV003654631.2).

ClinVar aggregate classification (germline): Uncertain significance (1 of 4 stars; one submission).

gnomAD v4.1: 8 of 1,613,592 alleles (0.0005%); highest among the groups gnomAD compares: Non-Finnish European, 0.00068%; no homozygotes.

Submission:

Labcorp Genetics (formerly Invitae), Labcorp
Classification: Uncertain significance. Last evaluated: 2024-05-26. Review status: criteria provided, single submitter. Criteria: Invitae Variant Classification Sherloc (09022015). Collection method: clinical testing. Allele origin: germline.
Comment: This sequence change replaces asparagine, which is neutral and polar, with lysine, which is basic and polar, at codon 489 of the AHDC1 protein (p.Asn489Lys). This variant is not present in population databases (gnomAD no frequency). This variant has not been reported in the literature in individuals affected with AHDC1-related conditions. An algorithm developed to predict the effect of missense changes on protein structure and function (PolyPhen-2) suggests that this variant is likely to be disruptive. In summary, the available evidence is currently insufficient to determine the role of this variant in disease. Therefore, it has been classified as a Variant of Uncertain Significance.